The following is an entry in ClinVar:

NM_000135.4(FANCA):c.835G>A (p.Asp279Asn)

Gene: FANCA (FA complementation group A; minus strand). Cytogenetic location: 16q24.3.
Variant type: single nucleotide variant.
Coding change: c.835G>A on transcript NM_000135.4 (MANE Select); coding-DNA position 835, G replaced by A.
Protein change: p.Asp279Asn; replaces aspartic acid 279 with asparagine.
Molecular consequence: missense variant.
Genome position (GRCh38, 1-based): chr16:89,799,224, C>T on the plus strand (G>A on the coding strand, the complement: FANCA is on the minus strand). VCF-style: chr16-89799224-C-T. GRCh37 (hg19) VCF-style: chr16-89865632-C-T.
Other names: c.835G>A, p.Asp279Asn (NM_001018112.3, NM_001286167.3); c.739G>A, p.Asp247Asn (NM_001351830.2); short protein forms D247N, D279N.
Identifiers: ClinVar variation 4826924 (VCV004826924.1).

ClinVar aggregate classification (germline): Uncertain significance (1 of 4 stars; one submission).

Conditions:
Inborn genetic diseases. Identifiers: MedGen C0950123, MeSH D030342.

Submission:

Ambry Genetics
Classification: Uncertain significance for Inborn genetic diseases. Last evaluated: 2026-03-11. Review status: criteria provided, single submitter. Criteria: Ambry Variant Classification Scheme 2023. Collection method: clinical testing. Allele origin: germline.
Comment: The p.D279N variant (also known as c.835G>A), located in coding exon 10 of the FANCA gene, results from a G to A substitution at nucleotide position 835. The aspartic acid at codon 279 is replaced by asparagine, an amino acid with highly similar properties. This amino acid position is conserved. In addition, this alteration is predicted to be tolerated by in silico analysis. Based on the available evidence, the clinical significance of this variant remains unclear.